The following is an entry in ClinVar:

ClinVar aggregate classification (germline): Likely benign (0 of 4 stars; one submission).

Conditions:
FBN2-related disorder. Also called: FBN2-related condition.

Submission:

PreventionGenetics, part of Exact Sciences
Classification: Likely benign for FBN2-related condition. Last evaluated: 2024-02-28. Review status: no assertion criteria provided. Collection method: clinical testing. Allele origin: germline.
Comment: This variant is classified as likely benign based on ACMG/AMP sequence variant interpretation guidelines (Richards et al. 2015 PMID: 25741868, with internal and published modifications).

NM_001999.4(FBN2):c.8365-9T>A

Gene: FBN2 (fibrillin 2; minus strand). Cytogenetic location: 5q23.3.
Variant type: single nucleotide variant.
Coding change: c.8365-9T>A on transcript NM_001999.4 (MANE Select); 9 bases into the intron before coding-DNA position 8365, T replaced by A.
Molecular consequence: intron variant.
Genome position (GRCh38, 1-based): chr5:128,259,838, A>T on the plus strand (T>A on the coding strand, the complement: FBN2 is on the minus strand). VCF-style: chr5-128259838-A-T. GRCh37 (hg19) VCF-style: chr5-127595530-A-T.
Identifiers: ClinVar variation 3061650 (VCV003061650.2), dbSNP rs2479601351, ClinGen allele CA2740094071.